The following is an entry in ClinVar:

NM_000138.5(FBN1):c.4114C>T (p.His1372Tyr)

Gene: FBN1 (fibrillin 1; minus strand). Cytogenetic location: 15q21.1.
Variant type: single nucleotide variant.
Coding change: c.4114C>T on transcript NM_000138.5 (MANE Select); coding-DNA position 4114, C replaced by T.
Protein change: p.His1372Tyr; replaces histidine 1372 with tyrosine.
Molecular consequence: missense variant.
Genome position (GRCh38, 1-based): chr15:48,474,351, G>A on the plus strand (C>T on the coding strand, the complement: FBN1 is on the minus strand). VCF-style: chr15-48474351-G-A. GRCh37 (hg19) VCF-style: chr15-48766548-G-A.
Other names: c.4114C>T, p.His1372Tyr (NM_001406716.1); short protein forms H1372Y.
Identifiers: ClinVar variation 3069692 (VCV003069692.8), dbSNP rs1367740488, ClinGen allele CA392320326.

ClinVar aggregate classification (germline): Conflicting classifications of pathogenicity. Review status: criteria provided, conflicting classifications (1 of 4 stars). 6 submissions from 6 submitters: Uncertain significance (5); Likely benign (1). Last evaluated 2026-08-06.

Conditions:
Weill-Marchesani syndrome 2, dominant. Also called: Weill-Marchesani Syndrome, Autosomal Dominant; FBN1-Related Weill-Marchesani Syndrome. Identifiers: Orphanet 2084, MedGen C1869115, MONDO:0012013, OMIM 608328.
Marfan syndrome (MFS). Also called: MARFAN SYNDROME, TYPE I; Marfan syndrome type 1; Marfan's syndrome; Marfan syndrome, classic; FBN1-Related Marfan Syndrome. Identifiers: Orphanet 284963, Orphanet 558, MedGen C0024796, MONDO:0007947, OMIM 154700.
Familial thoracic aortic aneurysm and aortic dissection (TAAD). Also called: Thoracic aortic aneurysms and dissections. Identifiers: Orphanet 91387, MedGen C4707243, MONDO:0019625.

Allele frequency attached by ClinVar (database versions not stated): gnomAD exomes 0.00001.
gnomAD v4.1: 5 of 1,613,958 alleles (0.00031%); highest among the groups gnomAD compares: Admixed American, 0.0067%; no homozygotes.

Submissions (6):

OLLIN Analises Genomicas, OLLIN
Classification: Uncertain significance for Weill-Marchesani syndrome 2, dominant. Last evaluated: 2026-08-06. Review status: criteria provided, single submitter. Criteria: ACMG Guidelines 2015 PMID 25741868. Collection method: clinical testing. Allele origin: germline. Inheritance: Autosomal dominant inheritance.
Comment: This missense variant, located in exon 34 (of 66), has been reported in ClinVar (accession VCV003069692.5) and in gnomAD with an allele frequency of 0.00031%. However, to our knowledge, it has not been reported in the scientific literature. In silico analysis predicts that this variant has a deleterious effect. This gene is constrained for missense variation. According to the currently available evidence, this variant has been classified as uncertain significance (PP2, PP3, BS1).

Dasa
Classification: Uncertain significance. Last evaluated: 2026-01-15. Review status: criteria provided, single submitter. Criteria: DASA Assertion Criteria. Collection method: clinical testing. Allele origin: germline.
Comment: NM_000138.5(FBN1):c.4114C>T (p.His1372Tyr) is a missense variant that results in the substitution of histidine with tyrosine. This variant is rare in population databases. Computational prediction algorithms are consistent with a deleterious effect. The currently available literature and clinical evidence are not sufficient to establish a definitive association between this variant and the reported condition. Therefore, this variant is classified as a variant of uncertain significance.

Labcorp Genetics (formerly Invitae), Labcorp
Classification: Uncertain significance for Marfan syndrome; Familial thoracic aortic aneurysm and aortic dissection. Last evaluated: 2025-04-08. Review status: criteria provided, single submitter. Criteria: Invitae Variant Classification Sherloc (09022015). Collection method: clinical testing. Allele origin: germline.
Comment: This sequence change replaces histidine, which is basic and polar, with tyrosine, which is neutral and polar, at codon 1372 of the FBN1 protein (p.His1372Tyr). This variant is present in population databases (no rsID available, gnomAD 0.01%). This variant has not been reported in the literature in individuals affected with FBN1-related conditions. ClinVar contains an entry for this variant (Variation ID: 3069692). Invitae Evidence Modeling of protein sequence and biophysical properties (such as structural, functional, and spatial information, amino acid conservation, physicochemical variation, residue mobility, and thermodynamic stability) indicates that this missense variant is expected to disrupt FBN1 protein function with a positive predictive value of 95%. In summary, the available evidence is currently insufficient to determine the role of this variant in disease. Therefore, it has been classified as a Variant of Uncertain Significance.

GeneDx
Classification: Uncertain significance. Last evaluated: 2025-01-10. Review status: criteria provided, single submitter. Criteria: GeneDx Variant Classification Process June 2021. Collection method: clinical testing. Allele origin: germline. Affected: yes.
Comment: Observed in large population cohorts (gnomAD; internal data); In silico analysis supports that this missense variant has a deleterious effect on protein structure/function; Has not been previously published as pathogenic or benign to our knowledge; Does not affect a cysteine or calcium-binding residue within an EGF-like domain or a TGF-binding protein domain of the FBN1 gene; cysteine substitutions in the EGF-like domains represent the majority of pathogenic missense changes associated with FBN1-related disorders (PMID: 12938084); This variant is associated with the following publications: (PMID: 12938084)

Color Diagnostics, LLC DBA Color Health
Classification: Likely benign for Familial thoracic aortic aneurysm and aortic dissection. Last evaluated: 2024-05-28. Review status: criteria provided, single submitter. Criteria: ACMG Guidelines, 2015. Collection method: clinical testing. Allele origin: germline.

All of Us Research Program, National Institutes of Health
Classification: Uncertain significance for Marfan syndrome. Last evaluated: 2023-08-15. Review status: criteria provided, single submitter. Criteria: ACMG Guidelines, 2015. Collection method: clinical testing. Allele origin: germline. Inheritance: Autosomal dominant inheritance. Observed: 3 variant alleles, 3 heterozygotes.
Comment: This missense variant replaces histidine with tyrosine at codon 1372 of the FBN1 protein. Computational prediction suggests that this variant may have deleterious impact on protein structure and function (internally defined REVEL score threshold >= 0.7, PMID: 27666373). To our knowledge, functional studies have not been reported for this variant. This variant has not been reported in individuals affected with FBN1-related disorders in the literature. This variant has been identified in 4/251316 chromosomes in the general population by the Genome Aggregation Database (gnomAD). The available evidence is insufficient to determine the role of this variant in disease conclusively. Therefore, this variant is classified as a Variant of Uncertain Significance.

This study involves interpretation of variants in research participants for the purpose of population health screening. Participant phenotype was not available at the time of variant classification. Additional details can be found in publication PMID: 35346344, PMCID: PMC8962531